The following is an entry in ClinVar:

NM_001267550.2(TTN):c.49801G>T (p.Val16601Leu)

Genes: TTN (titin; minus strand), TTN-AS1 (TTN antisense RNA 1; plus strand). Cytogenetic location: 2q31.2.
Variant type: single nucleotide variant.
Coding change: c.49801G>T on transcript NM_001267550.2 (MANE Select); coding-DNA position 49801, G replaced by T.
Protein change: p.Val16601Leu; replaces valine 16601 with leucine.
Molecular consequence: missense variant.
Genome position (GRCh38, 1-based): chr2:178,612,920, C>A on the plus strand (G>T on the coding strand, the complement: TTN is on the minus strand). VCF-style: chr2-178612920-C-A. GRCh37 (hg19) VCF-style: chr2-179477647-C-A.
Other names: c.49801G>T (LRG_391t1); c.44878G>T, p.Val14960Leu (NM_001256850.1); c.22606G>T, p.Val7536Leu (NM_003319.4); c.42097G>T, p.Val14033Leu (NM_133378.4); c.22981G>T, p.Val7661Leu (NM_133432.3); c.23182G>T, p.Val7728Leu (NM_133437.4); short protein forms V16601L, V14960L, V7536L, V7728L, V7661L, V14033L.
Identifiers: ClinVar variation 404736 (VCV000404736.13), dbSNP rs773271774, ClinGen allele CA1994514.
Genomic context (GRCh38, chr2:178,612,920, plus strand): 5'-ATTCCTGTCCTTCCATGAGCCCTGGGAGCAAGTGCTGAGTGGTGGGAACCCCTTCCGCCA[C>A]TCTGACCCACTCATCTGTTCCAGTCTTCAGCATTTCAATGACATAAGACTCAATCTTTGC-3'
Protein context (NP_001254479.2, residues 16591-16611): LKTGTDEWVR[Val16601Leu]AEGVPTTQHL

ClinVar aggregate classification (germline): Conflicting classifications of pathogenicity. Review status: criteria provided, conflicting classifications (1 of 4 stars). 8 submissions from 8 submitters: Uncertain significance (5); Likely benign (3). Last evaluated 2026-03-20.

Conditions:
TTN-related disorder. Also called: TTN-related disorders; TTN-related condition; TTN-related disease.
Cardiovascular phenotype. Identifiers: MedGen CN230736.
Autosomal recessive limb-girdle muscular dystrophy type 2J (LGMDR10). Also called: Limb-girdle muscular dystrophy, type 2J; MUSCULAR DYSTROPHY, LIMB-GIRDLE, AUTOSOMAL RECESSIVE 10. Identifiers: Orphanet 140922, MedGen C1837342, MONDO:0012127, OMIM 608807.
Dilated cardiomyopathy 1G (CMD1G). Identifiers: Orphanet 154, MedGen C1858763, MONDO:0011400, OMIM 604145.
Early-onset myopathy with fatal cardiomyopathy (CMYO5). Also called: Salih Myopathy; CONGENITAL MYOPATHY 5 WITH CARDIOMYOPATHY. Identifiers: Orphanet 289377, MedGen C2673677, MONDO:0012714, OMIM 611705. Disease mechanism: loss of function.
Hypertrophic cardiomyopathy 9. Also called: Familial hypertrophic cardiomyopathy 9. Identifiers: MedGen C1861065, MONDO:0013412, OMIM 613765.
Myopathy, myofibrillar, 9, with early respiratory failure (MFM9). Also called: Hereditary myopathy with early respiratory failure; MYOPATHY, PROXIMAL, WITH EARLY RESPIRATORY MUSCLE INVOLVEMENT; EDSTROM MYOPATHY; Myopathy, distal, with early respiratory failure, autosomal dominant. Identifiers: Orphanet 178464, Orphanet 34521, MedGen C1863599, MONDO:0011362, OMIM 603689.
Tibial muscular dystrophy (TMD). Also called: UDD MYOPATHY; Tibial muscular dystrophy, tardive; Udd Distal Myopathy – Tibial Muscular Dystrophy. Identifiers: Orphanet 609, MedGen C1838244, MONDO:0010870, OMIM 600334.
Limb-girdle muscular dystrophy (LGMD). Also called: Muscular Dystrophies, Limb-Girdle. Identifiers: Orphanet 263, MedGen C0686353, MeSH D049288, MONDO:0016971, HP:0006785.

Allele frequency attached by ClinVar (database versions not stated): TOPMed 0.00002; gnomAD exomes 0.00004 and 0.00008; gnomAD 0.00005 and 0.00006; ExAC 0.00008.
gnomAD v4.1: 74 of 1,612,592 alleles (0.0046%); highest among the groups gnomAD compares: Admixed American, 0.047%; no homozygotes.

Submissions (8):

PreventionGenetics, part of Exact Sciences
Classification: Uncertain significance for TTN-related condition. Last evaluated: 2026-03-20. Review status: criteria provided, single submitter. Criteria: ACMG Guidelines, 2015. Collection method: clinical testing. Allele origin: germline.
Comment: The TTN c.49801G>T variant is predicted to result in the amino acid substitution p.Val16601Leu. This variant has been reported along with a second TTN variant in an individual with a neuromuscular disorder (Supplementary Data, Gonzalez-Quereda et al. 2020. PubMed ID: 32403337). This variant is reported in 0.040% of alleles in individuals of Latino descent in gnomAD. At this time, the clinical significance of this variant is uncertain due to the absence of conclusive functional and genetic evidence.

Revvity Omics, Revvity
Classification: Uncertain significance. Last evaluated: 2024-05-16. Review status: criteria provided, single submitter. Criteria: ACMG Guidelines, 2015. Collection method: clinical testing. Allele origin: germline.

Ambry Genetics
Classification: Likely benign for Cardiovascular phenotype. Last evaluated: 2020-09-10. Review status: criteria provided, single submitter. Criteria: Ambry Variant Classification Scheme 2023. Collection method: clinical testing. Allele origin: germline.

GeneDx
Classification: Likely benign. Last evaluated: 2020-01-15. Review status: criteria provided, single submitter. Criteria: GeneDx Variant Classification Process June 2021. Collection method: clinical testing. Allele origin: germline. Affected: yes.
Comment: Has not been previously published as pathogenic or benign to our knowledge; This variant is associated with the following publications: (PMID: 32403337)

Cambridge Genomics Laboratory, East Genomic Laboratory Hub, NHS Genomic Medicine Service
Classification: Likely benign for Limb-girdle muscular dystrophy. Last evaluated: 2019-04-17. Review status: criteria provided, single submitter. Criteria: ACGS Best Practice Guidelines for Variant Classification in Rare Disease 2020. Collection method: clinical testing. Allele origin: germline. Affected: yes. Observed: 1 variant allele.

Fulgent Genetics
Classification: Uncertain significance for Tibial muscular dystrophy; Myopathy, myofibrillar, 9, with early respiratory failure; Dilated cardiomyopathy 1G; Autosomal recessive limb-girdle muscular dystrophy type 2J; Early-onset myopathy with fatal cardiomyopathy; Hypertrophic cardiomyopathy 9. Last evaluated: 2018-10-31. Review status: criteria provided, single submitter. Criteria: ACMG Guidelines, 2015. Collection method: clinical testing. Allele origin: unknown.

Athena Diagnostics
Classification: Uncertain significance. Last evaluated: 2018-05-11. Review status: criteria provided, single submitter. Criteria: Athena Diagnostics Criteria. Collection method: clinical testing. Allele origin: germline.

Labcorp Genetics (formerly Invitae), Labcorp
Classification: Uncertain significance for Dilated cardiomyopathy 1G; Autosomal recessive limb-girdle muscular dystrophy type 2J. Last evaluated: 2016-10-04. Review status: criteria provided, single submitter. Criteria: Invitae Variant Classification Sherloc (09022015). Collection method: clinical testing. Allele origin: germline.